The following is an entry in ClinVar:

ClinVar aggregate classification (germline): Uncertain significance (1 of 4 stars; one submission).

Allele frequency attached by ClinVar (database versions not stated): ExAC 0.00001; gnomAD 0.00003; gnomAD exomes below 0.00001; TOPMed 0.00003.
gnomAD v4.1: 9 of 1,613,988 alleles (0.00056%); highest among the groups gnomAD compares: African/African-American, 0.012%; no homozygotes.

Submission:

Labcorp Genetics (formerly Invitae), Labcorp
Classification: Uncertain significance. Last evaluated: 2025-06-03. Review status: criteria provided, single submitter. Criteria: Invitae Variant Classification Sherloc (09022015). Collection method: clinical testing. Allele origin: germline.
Comment: This sequence change creates a premature translational stop signal (p.Gln696*) in the NLRP1 gene. It is expected to result in an absent or disrupted protein product. However, the current clinical and genetic evidence is not sufficient to establish whether loss-of-function variants in NLRP1 cause disease. This variant is present in population databases (rs763611997, gnomAD 0.01%). This variant has not been reported in the literature in individuals affected with NLRP1-related conditions. ClinVar contains an entry for this variant (Variation ID: 2887029). In summary, the available evidence is currently insufficient to determine the role of this variant in disease. Therefore, it has been classified as a Variant of Uncertain Significance.

NM_033004.4(NLRP1):c.2086C>T (p.Gln696Ter)

Gene: NLRP1 (NLR family pyrin domain containing 1; minus strand). Cytogenetic location: 17p13.2.
Variant type: single nucleotide variant.
Coding change: c.2086C>T on transcript NM_033004.4 (MANE Select); coding-DNA position 2086, C replaced by T.
Protein change: p.Gln696Ter; replaces glutamine 696 with a stop codon.
Molecular consequence: nonsense.
Genome position (GRCh38, 1-based): chr17:5,558,610, G>A on the plus strand (C>T on the coding strand, the complement: NLRP1 is on the minus strand). VCF-style: chr17-5558610-G-A. GRCh37 (hg19) VCF-style: chr17-5461930-G-A.
Other names: c.2086C>T, p.Gln696Ter (NM_001033053.3, NM_014922.5, NM_033006.4 and 1 more transcripts); short protein forms Q696*.
Identifiers: ClinVar variation 2887029 (VCV002887029.3), dbSNP rs763611997, ClinGen allele CA8327261.